The following is an entry in ClinVar:

NC_000010.10:g.(?_73442182)_(73442349_?)del

Gene: CDH23 (cadherin related 23; plus strand). Cytogenetic location: 10q22.1.
Variant type: Deletion.
Identifiers: ClinVar variation 1071392 (VCV001071392.2).

ClinVar aggregate classification (germline): Pathogenic (1 of 4 stars; one submission).

Submission:

Labcorp Genetics (formerly Invitae), Labcorp
Classification: Pathogenic. Last evaluated: 2022-10-04. Review status: criteria provided, single submitter. Criteria: Invitae Variant Classification Sherloc (09022015). Collection method: clinical testing. Allele origin: germline.
Comment: This variant is a gross deletion of the genomic region encompassing exon(s) 18 of the CDH23 gene. This deletion is out-of-frame, and is expected to create a premature termination codon and result in an absent or disrupted protein product. Loss-of-function variants in CDH23 are known to be pathogenic (PMID: 11138009, 21940737). This variant has not been reported in the literature in individuals affected with CDH23-related conditions. For these reasons, this variant has been classified as Pathogenic.

Literature cited by the submitters: PubMed 11138009; PubMed 21940737.